The following is an entry in ClinVar:

NM_004725.4(BUB3):c.527C>A (p.Ser176Tyr)

Gene: BUB3 (BUB3 mitotic checkpoint protein; plus strand). Cytogenetic location: 10q26.13.
Variant type: single nucleotide variant.
Coding change: c.527C>A on transcript NM_004725.4 (MANE Select); coding-DNA position 527, C replaced by A.
Protein change: p.Ser176Tyr; replaces serine 176 with tyrosine.
Molecular consequence: missense variant.
Genome position (GRCh38, 1-based): chr10:123,160,516, C>A. VCF-style: chr10-123160516-C-A. GRCh37 (hg19) VCF-style: chr10-124920032-C-A.
Other names: c.527C>A, p.Ser176Tyr (NM_001007793.3); short protein forms S176Y.
Identifiers: ClinVar variation 3262309 (VCV003262309.1).

ClinVar aggregate classification (germline): Uncertain significance (1 of 4 stars; one submission).

Submission:

Ambry Genetics
Classification: Uncertain significance. Last evaluated: 2024-05-18. Review status: criteria provided, single submitter. Criteria: Ambry Variant Classification Scheme 2023. Collection method: clinical testing. Allele origin: germline.
Comment: The p.S176Y variant (also known as c.527C>A), located in coding exon 4 of the BUB3 gene, results from a C to A substitution at nucleotide position 527. The serine at codon 176 is replaced by tyrosine, an amino acid with dissimilar properties. This amino acid position is conserved. In addition, the in silico prediction for this alteration is inconclusive. Based on the available evidence, the clinical significance of this variant remains unclear.